The following is an entry in ClinVar:

NM_001368882.1(COL13A1):c.1143+4G>C

Gene: COL13A1 (collagen type XIII alpha 1 chain; plus strand). Cytogenetic location: 10q22.1.
Variant type: single nucleotide variant.
Coding change: c.1143+4G>C on transcript NM_001368882.1 (MANE Select); 4 bases into the intron after coding-DNA position 1143, G replaced by C.
Molecular consequence: intron variant.
Genome position (GRCh38, 1-based): chr10:69,921,939, G>C. VCF-style: chr10-69921939-G-C. GRCh37 (hg19) VCF-style: chr10-71681695-G-C.
Other names: c.1080+4G>C (NM_001320951.2, NM_001368884.1); c.1110+4G>C (NM_001130103.2); c.1044+4G>C (NM_080801.4, NM_080802.4, NM_001368885.1); c.1053+4G>C (NM_080800.4, NM_001368895.1); c.480+4G>C (NM_001368886.1); c.1107+4G>C (NM_001368883.1); c.957+4G>C (NM_080805.4); c.966+4G>C (NM_001368897.1); and 1 more.
Identifiers: ClinVar variation 1494057 (VCV001494057.4), dbSNP rs773955956, ClinGen allele CA5534606.

ClinVar aggregate classification (germline): Uncertain significance (1 of 4 stars; one submission).

Allele frequency attached by ClinVar (database versions not stated): gnomAD exomes 0.00001; gnomAD 0.00002; TOPMed 0.00002; ExAC 0.00005.
gnomAD v4.1: 22 of 1,602,926 alleles (0.0014%); highest among the groups gnomAD compares: Non-Finnish European, 0.0019%; no homozygotes.

Submission:

Labcorp Genetics (formerly Invitae), Labcorp
Classification: Uncertain significance. Last evaluated: 2021-10-29. Review status: criteria provided, single submitter. Criteria: Invitae Variant Classification Sherloc (09022015). Collection method: clinical testing. Allele origin: germline.
Comment: In summary, the available evidence is currently insufficient to determine the role of this variant in disease. Therefore, it has been classified as a Variant of Uncertain Significance. Variants that disrupt the consensus splice site are a relatively common cause of aberrant splicing (PMID: 17576681, 9536098). Algorithms developed to predict the effect of sequence changes on RNA splicing suggest that this variant is not likely to affect RNA splicing. This variant has not been reported in the literature in individuals affected with COL13A1-related conditions. This variant is present in population databases (rs773955956, gnomAD 0.004%). This sequence change falls in intron 21 of the COL13A1 gene. It does not directly change the encoded amino acid sequence of the COL13A1 protein. It affects a nucleotide within the consensus splice site.

Literature cited by the submitters: PubMed 17576681; PubMed 9536098.